The following is an entry in ClinVar:

NM_174936.4(PCSK9):c.959A>G (p.Asp320Gly)

Gene: PCSK9 (proprotein convertase subtilisin/kexin type 9; plus strand). Cytogenetic location: 1p32.3.
Variant type: single nucleotide variant.
Coding change: c.959A>G on transcript NM_174936.4 (MANE Select); coding-DNA position 959, A replaced by G.
Protein change: p.Asp320Gly; replaces aspartic acid 320 with glycine.
Molecular consequence: missense variant.
Genome position (GRCh38, 1-based): chr1:55,056,152, A>G. VCF-style: chr1-55056152-A-G. GRCh37 (hg19) VCF-style: chr1-55521825-A-G.
Other names: c.1082A>G, p.Asp361Gly (NM_001407240.1); c.959A>G, p.Asp320Gly (NM_001407241.1, NM_001407244.1, NM_001407247.1); c.962A>G, p.Asp321Gly (NM_001407242.1); c.902A>G, p.Asp301Gly (NM_001407243.1); c.767A>G, p.Asp256Gly (NM_001407245.1); c.584A>G, p.Asp195Gly (NM_001407246.1); short protein forms D320G, D361G, D301G, D195G, D256G, D321G.
Identifiers: ClinVar variation 1171752 (VCV001171752.4), dbSNP rs2100312745, ClinGen allele CA340475121.
Genomic context (GRCh38, chr1:55,056,152, plus strand): 5'-CCTGCCAGCGCCTGGCGAGGGCTGGGGTCGTGCTGGTCACCGCTGCCGGCAACTTCCGGG[A>G]CGATGCCTGCCTCTACTCCCCAGCCTCAGCTCCCGAGGTAGGTGCTGGGGCTGCTGCCCC-3'
Protein context (NP_777596.2, residues 310-330): VLVTAAGNFR[Asp320Gly]DACLYSPASA

ClinVar aggregate classification (germline): Uncertain significance (1 of 4 stars; one submission).

Conditions:
Familial hypercholesterolemia. Also called: Familial hypercholesterolaemia. Identifiers: MedGen C0020445, MONDO:0005439.

Submission:

Color Diagnostics, LLC DBA Color Health
Classification: Uncertain significance for Familial hypercholesterolemia. Last evaluated: 2024-03-07. Review status: criteria provided, single submitter. Criteria: ACMG Guidelines, 2015. Collection method: clinical testing. Allele origin: germline.
Comment: This missense variant replaces aspartic acid with glycine at codon 320 of the PCSK9 protein. Computational prediction is inconclusive regarding the impact of this variant on protein structure and function (internally defined REVEL score threshold 0.5 < inconclusive < 0.7, PMID: 27666373). To our knowledge, functional studies have not been reported for this variant. This variant has not been reported in individuals affected with familial hypercholesterolemia in the literature. This variant has not been identified in the general population by the Genome Aggregation Database (gnomAD). The available evidence is insufficient to determine the role of this variant in disease conclusively. Therefore, this variant is classified as a Variant of Uncertain Significance.